The following is an entry in ClinVar:

NM_003151.4(STAT4):c.1045A>C (p.Lys349Gln)

Gene: STAT4 (signal transducer and activator of transcription 4; minus strand). Cytogenetic location: 2q32.2.
Variant type: single nucleotide variant.
Coding change: c.1045A>C on transcript NM_003151.4 (MANE Select); coding-DNA position 1045, A replaced by C.
Protein change: p.Lys349Gln; replaces lysine 349 with glutamine.
Molecular consequence: missense variant.
Genome position (GRCh38, 1-based): chr2:191,058,759, T>G on the plus strand (A>C on the coding strand, the complement: STAT4 is on the minus strand). VCF-style: chr2-191058759-T-G. GRCh37 (hg19) VCF-style: chr2-191923485-T-G.
Other names: c.1045A>C, p.Lys349Gln (NM_001243835.2); short protein forms K349Q.
Identifiers: ClinVar variation 2811383 (VCV002811383.3), dbSNP rs1302479885, ClinGen allele CA349914315.
Genomic context (GRCh38, chr2:191,058,759, plus strand): 5'-AGAAAACTTACTTGTCAATTGATGCCTTAACCTTTACCTGATAGTTTAGTTCTGGCAATT[T>G]TATTAGTAGCCTGGAAAGAGATATCAATAAAAAAAATCAAAGATAAAAATTAAAAGTGTT-3'
Protein context (NP_003142.1, residues 339-359): QFTVKLRLLI[Lys349Gln]LPELNYQVKV

ClinVar aggregate classification (germline): Uncertain significance (1 of 4 stars; one submission).

Allele frequency attached by ClinVar (database versions not stated): gnomAD exomes below 0.00001.
gnomAD v4.1: 2 of 1,584,714 alleles (0.00013%); highest among the groups gnomAD compares: Non-Finnish European, 0.00017%; no homozygotes.

Submission:

Labcorp Genetics (formerly Invitae), Labcorp
Classification: Uncertain significance. Last evaluated: 2022-11-01. Review status: criteria provided, single submitter. Criteria: Invitae Variant Classification Sherloc (09022015). Collection method: clinical testing. Allele origin: germline.
Comment: This sequence change replaces lysine, which is basic and polar, with glutamine, which is neutral and polar, at codon 349 of the STAT4 protein (p.Lys349Gln). In summary, the available evidence is currently insufficient to determine the role of this variant in disease. Therefore, it has been classified as a Variant of Uncertain Significance. Advanced modeling of protein sequence and biophysical properties (such as structural, functional, and spatial information, amino acid conservation, physicochemical variation, residue mobility, and thermodynamic stability) performed at Invitae indicates that this missense variant is expected to disrupt STAT4 protein function. This variant has not been reported in the literature in individuals affected with STAT4-related conditions. This variant is present in population databases (no rsID available, gnomAD 0.002%).